The following is an entry in ClinVar:

NM_000501.4(ELN):c.1263_1264inv (p.Gly422Ser)

Gene: ELN (elastin; plus strand). Cytogenetic location: 7q11.23.
Variant type: Inversion.
Coding change: c.1263_1264inv on transcript NM_000501.4 (MANE Select).
Protein change: p.Gly422Ser; replaces glycine 422 with serine.
Molecular consequence: missense variant. On other transcripts: intron variant (2).
Genome position: GRCh38 VCF-style: chr7-74056383-TG-CA. GRCh37 (hg19) VCF-style: chr7-73470713-TG-CA.
Other names: c.1233_1234inv, p.Gly412Ser (NM_001081752.3, NM_001278917.2); c.1278_1279inv, p.Gly427Ser (NM_001081753.3, NM_001081754.3); c.1263_1264inv, p.Gly422Ser (NM_001081755.3, NM_001278912.2, NM_001278915.2 and 1 more transcripts); c.1248_1249inv, p.Gly417Ser (NM_001278914.2); c.1221_1222inv, p.Gly408Ser (NM_001278916.2); c.1129+26_1129+27inv (NM_001278913.2); c.1105+26_1105+27inv (NM_001278918.2); short protein forms G427S, G408S, G412S, G417S, G422S.
Identifiers: ClinVar variation 422996 (VCV000422996.5), ClinGen allele CA16618559.
Genomic context (GRCh38, chr7:74,056,383, plus strand): 5'-TGGGGGCTTTCCCGGCTTTGGTGTCGGAGTCGGAGGTATCCCTGGAGTCGCAGGTGTCCC[TG>CA]GTGTCGGAGGTGTTCCCGGAGTCGGAGGTGTCCCGGGAGTTGGCATTTCCCGTGAGCCTT-3'
Protein context (NP_000492.2, residues 412-432): GGIPGVAGVP[Gly422Ser]VGGVPGVGGV

ClinVar aggregate classification (germline): Likely benign. Review status: criteria provided, multiple submitters, no conflicts (2 of 4 stars). 2 submissions from 2 submitters: Likely benign (2). Last evaluated 2025-09-02.

Conditions:
Supravalvar aortic stenosis (SVAS). Also called: Supravalvar aortic stenosis, Eisenberg type. Identifiers: Orphanet 3193, MedGen C0003499, MONDO:0008504, OMIM 185500, HP:0004381.

Submissions (2):

Labcorp Genetics (formerly Invitae), Labcorp
Classification: Likely benign for Supravalvar aortic stenosis. Last evaluated: 2025-09-02. Review status: criteria provided, single submitter. Criteria: Invitae Variant Classification Sherloc (09022015). Collection method: clinical testing. Allele origin: germline.

GeneDx
Classification: Likely benign. Last evaluated: 2017-01-05. Review status: criteria provided, single submitter. Criteria: GeneDx Variant Classification (06012015). Collection method: clinical testing. Allele origin: germline. Affected: yes.
Comment: This variant is considered likely benign or benign based on one or more of the following criteria: it is a conservative change, it occurs at a poorly conserved position in the protein, it is predicted to be benign by multiple in silico algorithms, and/or has population frequency not consistent with disease.